The following is an entry in ClinVar:

NM_001365902.3(NFIX):c.697+2dup

Gene: NFIX (nuclear factor I X; plus strand). Cytogenetic location: 19p13.13.
Variant type: Duplication.
Coding change: c.697+2dup on transcript NM_001365902.3 (MANE Select); the canonical splice donor site of the intron after coding-DNA position 697, one base duplicated (T; older notation c.697+2dupT).
Molecular consequence: splice donor variant.
Genome position (GRCh38, 1-based): chr19:13,073,498, T duplicated. VCF-style (leftmost placement, unchanged base first): chr19-13073497-G-GT. GRCh37 (hg19) VCF-style: chr19-13184311-G-GT.
Other names: c.697+2dup (NM_002501.4, NM_001365982.2); c.673+2dup (NM_001378404.1, NM_001271044.3, NM_001440616.1 and 1 more transcripts); c.745+2dup (NM_001378405.1); c.556+2dup (NM_001365983.2); c.721+2dup (NM_001271043.2); c.694+2dup (NM_001365984.2, NM_001365985.2).
Identifiers: ClinVar variation 4293466 (VCV004293466.1).

ClinVar aggregate classification (germline): Likely pathogenic (1 of 4 stars; one submission).

Conditions:
NFIX-related disorder. Also called: NFIX-related condition.

Submission:

3billion
Classification: Likely pathogenic for NFIX-related disorder. Last evaluated: 2024-06-24. Review status: criteria provided, single submitter. Criteria: ACMG Guidelines, 2015. Collection method: clinical testing. Allele origin: germline. Affected: yes.
Comment: The variant is not observed in the gnomAD v4.0.0 dataset. Predicted Consequence/Location: Canonical splice site: predicted to alter splicing and result in a loss or disruption of normal protein function. Multiple pathogenic loss-of-function variants are reported downstream of the variant. Therefore, this variant is classified as Likely pathogenic according to the recommendation of ACMG/AMP guideline.